The following is an entry in ClinVar:

NM_000049.4(ASPA):c.671A>C (p.Lys224Thr)

Genes: ASPA (aspartoacylase; plus strand), SPATA22 (spermatogenesis associated 22; minus strand). Cytogenetic location: 17p13.2.
Variant type: single nucleotide variant.
Coding change: c.671A>C on transcript NM_000049.4 (MANE Select); coding-DNA position 671, A replaced by C.
Protein change: p.Lys224Thr; replaces lysine 224 with threonine.
Molecular consequence: missense variant. On other transcripts: intron variant (2).
Genome position (GRCh38, 1-based): chr17:3,494,386, A>C. VCF-style: chr17-3494386-A-C. GRCh37 (hg19) VCF-style: chr17-3397680-A-C.
Other names: c.671A>C, p.Lys224Thr (NM_001128085.1); c.-74+19026T>G (NM_001321336.2, NM_001321337.2); short protein forms K224T.
Identifiers: ClinVar variation 1444289 (VCV001444289.4), dbSNP rs751242787, ClinGen allele CA8289006.

ClinVar aggregate classification (germline): Uncertain significance (1 of 4 stars; one submission).

Conditions:
Spongy degeneration of central nervous system. Also called: ACY2 DEFICIENCY; AMINOACYLASE 2 DEFICIENCY; ASP DEFICIENCY; ASPA DEFICIENCY; ASPARTOACYLASE DEFICIENCY; CANAVAN-VAN BOGAERT-BERTRAND DISEASE. Identifiers: Orphanet 141, MedGen C0206307, MONDO:0010079, OMIM 271900.

Allele frequency attached by ClinVar (database versions not stated): ExAC 0.00002; gnomAD 0.00002; gnomAD exomes 0.00001; TOPMed 0.00002.
gnomAD v4.1: 10 of 1,613,162 alleles (0.00062%); highest among the groups gnomAD compares: Non-Finnish European, 0.00085%; no homozygotes.

Submission:

Labcorp Genetics (formerly Invitae), Labcorp
Classification: Uncertain significance for Spongy degeneration of central nervous system. Last evaluated: 2021-11-25. Review status: criteria provided, single submitter. Criteria: Invitae Variant Classification Sherloc (09022015). Collection method: clinical testing. Allele origin: germline.
Comment: This sequence change replaces lysine, which is basic and polar, with threonine, which is neutral and polar, at codon 224 of the ASPA protein (p.Lys224Thr). This variant is present in population databases (rs751242787, gnomAD 0.003%). This variant has not been reported in the literature in individuals affected with ASPA-related conditions. Advanced modeling of protein sequence and biophysical properties (such as structural, functional, and spatial information, amino acid conservation, physicochemical variation, residue mobility, and thermodynamic stability) performed at Invitae indicates that this missense variant is expected to disrupt ASPA protein function. In summary, the available evidence is currently insufficient to determine the role of this variant in disease. Therefore, it has been classified as a Variant of Uncertain Significance.